The following is an entry in ClinVar:

NM_001145715.3(KPNA7):c.865G>C (p.Val289Leu)

Gene: KPNA7 (karyopherin subunit alpha 7; minus strand). Cytogenetic location: 7q22.1.
Variant type: single nucleotide variant.
Coding change: c.865G>C on transcript NM_001145715.3 (MANE Select); coding-DNA position 865, G replaced by C.
Protein change: p.Val289Leu; replaces valine 289 with leucine.
Molecular consequence: missense variant.
Genome position (GRCh38, 1-based): chr7:99,188,335, C>G on the plus strand (G>C on the coding strand, the complement: KPNA7 is on the minus strand). VCF-style: chr7-99188335-C-G. GRCh37 (hg19) VCF-style: chr7-98785958-C-G.
Other names: c.865G>C (NM_001145715.2); short protein forms V289L.
Identifiers: ClinVar variation 238564 (VCV000238564.14), dbSNP rs191355534, ClinGen allele CA4363178.

ClinVar aggregate classification (germline): Conflicting classifications of pathogenicity. Review status: criteria provided, conflicting classifications (1 of 4 stars). 3 submissions from 3 submitters: Uncertain significance (1); Likely benign (1). 1 of the submissions does not count toward it. Last evaluated 2026-02-03.

Conditions:
KPNA7-related disorder. Also called: KPNA7-related condition.

Allele frequency attached by ClinVar (database versions not stated): 1000 Genomes Project 0.00040; ESP Exome Variant Server 0.00175; ExAC 0.00032; TOPMed 0.00099; 1000 Genomes Project 30x 0.00062.
gnomAD v4.1: 332 of 1,551,572 alleles (0.021%); highest among the groups gnomAD compares: African/African-American, 0.27%; no homozygotes.

Submissions (3):

Labcorp Genetics (formerly Invitae), Labcorp
Classification: Likely benign. Last evaluated: 2026-02-03. Review status: criteria provided, single submitter. Criteria: Invitae Variant Classification Sherloc (09022015). Collection method: clinical testing. Allele origin: germline.

Fulgent Genetics
Classification: Uncertain significance. Last evaluated: 2018-10-31. Review status: criteria provided, single submitter. Criteria: ACMG Guidelines, 2015. Collection method: clinical testing. Allele origin: unknown.

PreventionGenetics, part of Exact Sciences
Classification: Likely benign for KPNA7-related condition. Last evaluated: 2024-06-19. Review status: no assertion criteria provided. Collection method: clinical testing. Allele origin: germline. Not counted in ClinVar's aggregate classification.
Comment: This variant is classified as likely benign based on ACMG/AMP sequence variant interpretation guidelines (Richards et al. 2015 PMID: 25741868, with internal and published modifications).